The following is an entry in ClinVar:

NM_001292063.2(OTOG):c.3262C>T (p.His1088Tyr)

Gene: OTOG (otogelin; plus strand). Cytogenetic location: 11p15.1.
Variant type: single nucleotide variant.
Coding change: c.3262C>T on transcript NM_001292063.2 (MANE Select); coding-DNA position 3262, C replaced by T.
Protein change: p.His1088Tyr; replaces histidine 1088 with tyrosine.
Molecular consequence: missense variant.
Genome position (GRCh38, 1-based): chr11:17,593,730, C>T. VCF-style: chr11-17593730-C-T. GRCh37 (hg19) VCF-style: chr11-17615277-C-T.
Other names: c.3298C>T, p.His1100Tyr (NM_001277269.2); c.3298C>T (NM_001277269.1); short protein forms H1088Y, H1100Y.
Identifiers: ClinVar variation 1502139 (VCV001502139.9), dbSNP rs1367217080, ClinGen allele CA379783256.
Genomic context (GRCh38, chr11:17,593,730, plus strand): 5'-ACACTGGTGCATTTCCCACAGGAGCACATCACCCTCTTGTGGGACCAGAGAACCACAGTG[C>T]ACGTCCAGGCTGGGCCTCAGTGGCAGGTACTTACATGAGCAGTGACATTCTGCTCCTGCC-3'
Protein context (NP_001278992.1, residues 1078-1098): TLLWDQRTTV[His1088Tyr]VQAGPQWQGQ

ClinVar aggregate classification (germline): Uncertain significance. Review status: criteria provided, multiple submitters, no conflicts (2 of 4 stars). 3 submissions from 3 submitters: Uncertain significance (3). Last evaluated 2026-04-01.

Allele frequency attached by ClinVar (database versions not stated): gnomAD exomes 0.00003 and 0.00004; TOPMed 0.00004; gnomAD 0.00004 and 0.00003.
gnomAD v4.1: 42 of 1,548,606 alleles (0.0027%); highest among the groups gnomAD compares: Admixed American, 0.012%; no homozygotes.

Submissions (3):

GeneDx
Classification: Uncertain significance. Last evaluated: 2026-04-01. Review status: criteria provided, single submitter. Criteria: GeneDx Variant Classification Process June 2021. Collection method: clinical testing. Allele origin: germline.
Comment: In silico analysis supports that this missense variant has a deleterious effect on protein structure/function; Has not been previously published as pathogenic or benign to our knowledge; In silico analysis suggests this variant may impact gene splicing. In the absence of RNA/functional studies, the actual effect of this sequence change is unknown.

Labcorp Genetics (formerly Invitae), Labcorp
Classification: Uncertain significance. Last evaluated: 2024-11-05. Review status: criteria provided, single submitter. Criteria: Invitae Variant Classification Sherloc (09022015). Collection method: clinical testing. Allele origin: germline.
Comment: This sequence change replaces histidine, which is basic and polar, with tyrosine, which is neutral and polar, at codon 1100 of the OTOG protein (p.His1100Tyr). This variant is present in population databases (no rsID available, gnomAD 0.01%). This variant has not been reported in the literature in individuals affected with OTOG-related conditions. ClinVar contains an entry for this variant (Variation ID: 1502139). An algorithm developed to predict the effect of missense changes on protein structure and function (PolyPhen-2) suggests that this variant is likely to be disruptive. In summary, the available evidence is currently insufficient to determine the role of this variant in disease. Therefore, it has been classified as a Variant of Uncertain Significance.

Blueprint Genetics
Classification: Uncertain significance. Last evaluated: 2023-02-14. Review status: criteria provided, single submitter. Criteria: ACMG Guidelines, 2015. Collection method: clinical testing. Allele origin: germline.